The following is an entry in ClinVar:

NM_001655.5(ARCN1):c.522_525del (p.Glu174fs)

Gene: ARCN1 (archain 1; plus strand). Cytogenetic location: 11q23.3.
Variant type: Microsatellite.
Coding change: c.522_525del on transcript NM_001655.5 (MANE Select); coding-DNA positions 522 to 525, 4 bases deleted (GAGA; older notation c.522_525delGAGA).
Protein change: p.Glu174fs; shifts the reading frame from glutamic acid 174.
Molecular consequence: frameshift variant.
Genome position (GRCh38, 1-based): chr11:118,583,883-118,583,886, GAGA deleted; deleting any 4 consecutive bases within chr11:118,583,880-118,583,886 gives the same sequence; the c. name uses the placement nearest the transcript's 3' end. VCF-style (leftmost placement, unchanged base first): chr11-118583879-CAGAG-C. GRCh37 (hg19) VCF-style: chr11-118454594-CAGAG-C.
Other names: c.258_261del, p.Glu86fs (NM_001142281.2); short protein forms E174fs, E86fs.
Identifiers: ClinVar variation 1687551 (VCV001687551.1), dbSNP rs2135542758, ClinGen allele CA2580615096.

ClinVar aggregate classification (germline): Likely pathogenic (1 of 4 stars; one submission).

Conditions:
Short stature, rhizomelic, with microcephaly, micrognathia, and developmental delay (SSMG). Also called: SHORT STATURE-MICROGNATHIA SYNDROME. Identifiers: Orphanet 659702, MedGen C4310686, MONDO:0014948, OMIM 617164.

Submission:

3billion
Classification: Likely pathogenic for Short stature, rhizomelic, with microcephaly, micrognathia, and developmental delay. Last evaluated: 2022-05-22. Review status: criteria provided, single submitter. Criteria: ACMG Guidelines, 2015. Collection method: clinical testing. Allele origin: germline. Affected: yes. Observed: 1 heterozygote.
Comment: The variant is not observed in the gnomAD v2.1.1 dataset. Frameshift: predicted to result in a loss or disruption of normal protein function through nonsense-mediated decay (NMD) or protein truncation. Multiple pathogenic variants are reported downstream of the variant. Therefore, this variant is classified as likely pathogenic according to the recommendation of ACMG/AMP guideline.